The following is an entry in ClinVar:

NM_020717.5(SHROOM4):c.3413_3414insGG (p.Glu1140fs)

Gene: SHROOM4 (shroom family member 4; minus strand). Cytogenetic location: Xp11.22.
Variant type: Insertion.
Coding change: c.3413_3414insGG on transcript NM_020717.5 (MANE Select); coding-DNA positions 3413 to 3414, GG inserted.
Protein change: p.Glu1140fs; shifts the reading frame from glutamic acid 1140.
Molecular consequence: frameshift variant. On other transcripts: non-coding transcript variant (4).
Genome position: GRCh38 VCF-style: chrX-50607728-T-TCC. GRCh37 (hg19) VCF-style: chrX-50350728-T-TCC.
Other names: short protein forms E1140fs.
Identifiers: ClinVar variation 4950763 (VCV004950763.2), dbSNP rs143151534.

ClinVar aggregate classification (germline): Benign/Likely benign. Review status: criteria provided, multiple submitters, no conflicts (2 of 4 stars). 2 submissions from 2 submitters: Benign (1); Likely benign (1). Last evaluated 2025-05-23.

Conditions:
SHROOM4-related disorder. Also called: SHROOM4-related condition.

Submissions (2):

PreventionGenetics, part of Exact Sciences
Classification: Benign for SHROOM4-related condition. Last evaluated: 2025-05-23. Review status: criteria provided, single submitter. Criteria: ACMG Guidelines, 2015. Collection method: clinical testing. Allele origin: germline.
Comment: This variant is classified as benign based on ACMG/AMP sequence variant interpretation guidelines (Richards et al. 2015 PMID: 25741868, with internal and published modifications).

Blueprint Genetics
Classification: Likely benign. Last evaluated: 2024-11-28. Review status: criteria provided, single submitter. Criteria: ACMG Guidelines, 2015. Collection method: clinical testing. Allele origin: germline.